The following is an entry in ClinVar:

NM_000136.3(FANCC):c.455A>T (p.Asn152Ile)

Gene: FANCC (FA complementation group C; minus strand). Cytogenetic location: 9q22.32.
Variant type: single nucleotide variant.
Coding change: c.455A>T on transcript NM_000136.3 (MANE Select); coding-DNA position 455, A replaced by T.
Protein change: p.Asn152Ile; replaces asparagine 152 with isoleucine.
Molecular consequence: missense variant.
Genome position (GRCh38, 1-based): chr9:95,172,038, T>A on the plus strand (A>T on the coding strand, the complement: FANCC is on the minus strand). VCF-style: chr9-95172038-T-A. GRCh37 (hg19) VCF-style: chr9-97934320-T-A.
Other names: c.455A>T, p.Asn152Ile (NM_001243743.2, NM_001243744.2); short protein forms N152I.
Identifiers: ClinVar variation 5036470 (VCV005036470.1).

ClinVar aggregate classification (germline): Uncertain significance (1 of 4 stars; one submission).

Conditions:
Hereditary cancer-predisposing syndrome. Also called: Neoplastic Syndromes, Hereditary; Tumor predisposition; Hereditary neoplastic syndrome; Hereditary Cancer Syndrome. Identifiers: Orphanet 140162, MedGen C0027672, MeSH D009386, MONDO:0015356.

Submission:

Ambry Genetics
Classification: Uncertain significance for Hereditary cancer-predisposing syndrome. Last evaluated: 2026-07-08. Review status: criteria provided, single submitter. Criteria: Ambry Variant Classification Scheme 2023. Collection method: clinical testing. Allele origin: germline.
Comment: The p.N152I variant (also known as c.455A>T), located in coding exon 4 of the FANCC gene, results from an A to T substitution at nucleotide position 455. The asparagine at codon 152 is replaced by isoleucine, an amino acid with dissimilar properties. This amino acid position is conserved. In addition, the in silico prediction for this alteration is inconclusive. Based on the available evidence, the clinical significance of this variant remains unclear.